The following is an entry in ClinVar:

ClinVar aggregate classification (germline): Uncertain significance. Review status: criteria provided, multiple submitters, no conflicts (2 of 4 stars). 4 submissions from 4 submitters: Uncertain significance (4). Last evaluated 2023-05-30.

Conditions:
Sucrase-isomaltase deficiency (CSID). Also called: SI DEFICIENCY; Deficiency of isomaltase; Congenital sucrose isomaltose malabsorption; Sucrose isomaltose enzyme deficiency. Identifiers: Orphanet 35122, MedGen C1283620, MONDO:0009114, OMIM 222900.
Inborn genetic diseases. Identifiers: MedGen C0950123, MeSH D030342.

Allele frequency attached by ClinVar (database versions not stated): gnomAD exomes 0.00008 and 0.00012; gnomAD 0.00009 and 0.00010; TOPMed 0.00009; ExAC 0.00010; ESP Exome Variant Server 0.00031.
gnomAD v4.1: 194 of 1,612,348 alleles (0.012%); highest among the groups gnomAD compares: Non-Finnish European, 0.014%; no homozygotes.

Submissions (4):

Ambry Genetics
Classification: Uncertain significance for Inborn genetic diseases. Last evaluated: 2023-05-30. Review status: criteria provided, single submitter. Criteria: Ambry Variant Classification Scheme 2023. Collection method: clinical testing. Allele origin: germline.

Labcorp Genetics (formerly Invitae), Labcorp
Classification: Uncertain significance. Last evaluated: 2022-09-19. Review status: criteria provided, single submitter. Criteria: Invitae Variant Classification Sherloc (09022015). Collection method: clinical testing. Allele origin: germline.
Comment: This sequence change replaces arginine, which is basic and polar, with serine, which is neutral and polar, at codon 1136 of the SI protein (p.Arg1136Ser). This variant is present in population databases (rs138927818, gnomAD 0.03%). This variant has not been reported in the literature in individuals affected with SI-related conditions. ClinVar contains an entry for this variant (Variation ID: 344030). Advanced modeling of protein sequence and biophysical properties (such as structural, functional, and spatial information, amino acid conservation, physicochemical variation, residue mobility, and thermodynamic stability) has been performed at Invitae for this missense variant, however the output from this modeling did not meet the statistical confidence thresholds required to predict the impact of this variant on SI protein function. In summary, the available evidence is currently insufficient to determine the role of this variant in disease. Therefore, it has been classified as a Variant of Uncertain Significance.

Fulgent Genetics
Classification: Uncertain significance for Sucrase-isomaltase deficiency. Last evaluated: 2022-04-12. Review status: criteria provided, single submitter. Criteria: ACMG Guidelines, 2015. Collection method: clinical testing. Allele origin: unknown.

Illumina Laboratory Services, Illumina
Classification: Uncertain significance for Sucrase-isomaltase deficiency. Last evaluated: 2018-01-12. Review status: criteria provided, single submitter. Criteria: ICSL Variant Classification Criteria 13 December 2019. Collection method: clinical testing. Allele origin: germline.

NM_001041.4(SI):c.3408A>C (p.Arg1136Ser)

Gene: SI (sucrase-isomaltase; minus strand). Cytogenetic location: 3q26.1.
Variant type: single nucleotide variant.
Coding change: c.3408A>C on transcript NM_001041.4 (MANE Select); coding-DNA position 3408, A replaced by C.
Protein change: p.Arg1136Ser; replaces arginine 1136 with serine.
Molecular consequence: missense variant.
Genome position (GRCh38, 1-based): chr3:165,019,617, T>G on the plus strand (A>C on the coding strand, the complement: SI is on the minus strand). VCF-style: chr3-165019617-T-G. GRCh37 (hg19) VCF-style: chr3-164737405-T-G.
Other names: short protein forms R1136S.
Identifiers: ClinVar variation 344030 (VCV000344030.10), dbSNP rs138927818, ClinGen allele CA2690294.